The following is an entry in ClinVar:

NM_017636.4(TRPM4):c.344del (p.Pro115fs)

Gene: TRPM4 (transient receptor potential cation channel subfamily M member 4; plus strand). Cytogenetic location: 19q13.33.
Variant type: Deletion.
Coding change: c.344del on transcript NM_017636.4 (MANE Select); coding-DNA position 344, one base deleted (C; older notation c.344delC).
Protein change: p.Pro115fs; shifts the reading frame from proline 115.
Molecular consequence: frameshift variant. On other transcripts: intron variant (4).
Genome position (GRCh38, 1-based): chr19:49,167,993, C deleted; the last of 4 consecutive C bases (chr19:49,167,990-49,167,993); deleting any one gives the same sequence. VCF-style (leftmost placement, unchanged base first): chr19-49167989-GC-G. GRCh37 (hg19) VCF-style: chr19-49671246-GC-G.
Other names: c.344del, p.Pro115fs (NM_001195227.2); c.-1105-267del (NM_001321282.2); c.268-560del (NM_001321281.2); c.-74-267del (NM_001321283.2); c.-237-560del (NM_001321285.2); c.344del (NM_017636.3); short protein forms P115fs.
Identifiers: ClinVar variation 632316 (VCV000632316.14), dbSNP rs777609699, ClinGen allele CA9568788.
Genomic context (GRCh38, chr19:49,167,989, plus strand): 5'-TCTGACCGAACGGATCCAGCTGCAGTTTATAGTCTGGTCACACGCACATGGGGCTTCCGT[GC>G]CCCGAACCTGGTGGTGTCAGTGCTGGGGGGATCGGGGGGCCCCGTCCTCCAGACCTGGCT-3'

ClinVar aggregate classification (germline): Uncertain significance. Review status: criteria provided, multiple submitters, no conflicts (2 of 4 stars). 2 submissions from 2 submitters: Uncertain significance (2). Last evaluated 2025-12-11.

Conditions:
Cardiovascular phenotype. Identifiers: MedGen CN230736.
Progressive familial heart block type IB (PFHB1B). Identifiers: Orphanet 871, MedGen C1970298, MONDO:0011474, OMIM 604559.

Submissions (2):

Ambry Genetics
Classification: Uncertain significance for Cardiovascular phenotype. Last evaluated: 2025-12-11. Review status: criteria provided, single submitter. Criteria: Ambry Variant Classification Scheme 2023. Collection method: clinical testing. Allele origin: germline.
Comment: The c.344delC variant, located in coding exon 4 of the TRPM4 gene, results from a deletion of one nucleotide at nucleotide position 344, causing a translational frameshift with a predicted alternate stop codon (p.P115Rfs*163). This alteration is expected to result in premature protein truncation or nonsense-mediated mRNA decay. However, loss of function of TRPM4 has not been clearly established as a mechanism of disease. Since supporting evidence is limited at this time, the clinical significance of this alteration remains unclear.

Labcorp Genetics (formerly Invitae), Labcorp
Classification: Uncertain significance for Progressive familial heart block type IB. Last evaluated: 2025-01-20. Review status: criteria provided, single submitter. Criteria: Invitae Variant Classification Sherloc (09022015). Collection method: clinical testing. Allele origin: germline.
Comment: This sequence change creates a premature translational stop signal (p.Pro115Argfs*163) in the TRPM4 gene. It is expected to result in an absent or disrupted protein product. However, the current clinical and genetic evidence is not sufficient to establish whether loss-of-function variants in TRPM4 cause disease. This variant is present in population databases (rs777609699, gnomAD 0.007%). This variant has not been reported in the literature in individuals affected with TRPM4-related conditions. ClinVar contains an entry for this variant (Variation ID: 632316). In summary, the available evidence is currently insufficient to determine the role of this variant in disease. Therefore, it has been classified as a Variant of Uncertain Significance.